The following is an entry in ClinVar:

ClinVar aggregate classification (germline): Uncertain significance. Review status: criteria provided, multiple submitters, no conflicts (2 of 4 stars). 2 submissions from 2 submitters: Uncertain significance (2). Last evaluated 2023-08-18.

Conditions:
Haddad syndrome (OHD). Also called: Ondine-Hirschsprung disease. Identifiers: Orphanet 99803, MedGen C1859049, MONDO:0020493.
Neuroblastoma, susceptibility to, 2. Identifiers: Orphanet 635, MedGen C2751682, MONDO:0700041, OMIM 613013.

Submissions (2):

Baylor Genetics
Classification: Uncertain significance for Neuroblastoma, susceptibility to, 2. Last evaluated: 2023-08-18. Review status: criteria provided, single submitter. Criteria: ACMG Guidelines, 2015. Collection method: clinical testing. Allele origin: unknown.

Labcorp Genetics (formerly Invitae), Labcorp
Classification: Uncertain significance for Haddad syndrome. Last evaluated: 2022-01-23. Review status: criteria provided, single submitter. Criteria: Invitae Variant Classification Sherloc (09022015). Collection method: clinical testing. Allele origin: germline.
Comment: This variant has not been reported in the literature in individuals affected with PHOX2B-related conditions. In summary, the available evidence is currently insufficient to determine the role of this variant in disease. Therefore, it has been classified as a Variant of Uncertain Significance. This variant is not present in population databases (gnomAD no frequency). This variant, c.828_829insACCGGC, results in the insertion of 2 amino acid(s) of the PHOX2B protein (p.Gly276_Pro277insThrGly), but otherwise preserves the integrity of the reading frame.

NM_003924.4(PHOX2B):c.828_829insACCGGC (p.Gly276_Pro277insThrGly)

Gene: PHOX2B (paired like homeobox 2B; minus strand). Cytogenetic location: 4p13.
Variant type: Insertion.
Coding change: c.828_829insACCGGC on transcript NM_003924.4 (MANE Select); coding-DNA positions 828 to 829, ACCGGC inserted.
Protein change: p.Gly276_Pro277insThrGly.
Molecular consequence: inframe insertion.
Genome position: GRCh38 VCF-style: chr4-41745923-G-GGCCGGT. GRCh37 (hg19) VCF-style: chr4-41747940-G-GGCCGGT.
Identifiers: ClinVar variation 2089165 (VCV002089165.5), dbSNP rs2552096780, ClinGen allele CA2580070994.